The following is an entry in ClinVar:

ClinVar aggregate classification (germline): Likely pathogenic (1 of 4 stars; one submission).

Conditions:
Neurofibromatosis, type 2 (SWNV). Also called: NF2-Related Schwannomatosis; BILATERAL ACOUSTIC NEUROFIBROMATOSIS; SCHWANNOMATOSIS, VESTIBULAR. Identifiers: Orphanet 637, MedGen C0027832, MONDO:0007039, OMIM 101000. Disease mechanism: loss of function.

Submission:

Labcorp Genetics (formerly Invitae), Labcorp
Classification: Likely pathogenic for Neurofibromatosis, type 2. Last evaluated: 2022-03-18. Review status: criteria provided, single submitter. Criteria: Invitae Variant Classification Sherloc (09022015). Collection method: clinical testing. Allele origin: germline.
Comment: In summary, the currently available evidence indicates that the variant is pathogenic, but additional data are needed to prove that conclusively. Therefore, this variant has been classified as Likely Pathogenic. Algorithms developed to predict the effect of sequence changes on RNA splicing suggest that this variant may disrupt the consensus splice site. This variant has not been reported in the literature in individuals affected with NF2-related conditions. This variant is not present in population databases (gnomAD no frequency). This variant results in the deletion of part of exon 6 (c.593_599+317del) of the NF2 gene. It is expected to disrupt RNA splicing. Variants that disrupt the donor or acceptor splice site typically lead to a loss of protein function (PMID: 16199547), and loss-of-function variants in NF2 are known to be pathogenic (PMID: 9643284, 16983642).

Literature cited by the submitters: PubMed 16199547; PubMed 9643284; PubMed 16983642.

NM_000268.4(NF2):c.593_599+317del

Gene: NF2 (NF2, moesin-ezrin-radixin like (MERLIN) tumor suppressor; plus strand). Cytogenetic location: 22q12.2.
Variant type: Deletion.
Coding change: c.593_599+317del on transcript NM_000268.4 (MANE Select); coding-DNA position 593 through 317 bases into the intron after coding-DNA position 599, 324 bases deleted.
Molecular consequence: splice donor variant. On other transcripts: intron variant (1).
Genome position (GRCh38, 1-based): chr22:29,655,670-29,655,993, 324 bases deleted. GRCh37 (hg19): chr22:30,051,659-30,051,982.
Other names: c.593_599+317del (NM_016418.5, NM_181832.3, NM_181825.3); c.447+13385_447+13708del (NM_181833.3); c.470_476+317del (NM_181829.3); c.467_473+317del (NM_181828.3); c.344_350+317del (NM_181830.3, NM_181831.3).
Identifiers: ClinVar variation 2113663 (VCV002113663.4), dbSNP rs2518556881, ClinGen allele CA2580099486.